The following is an entry in ClinVar:

ClinVar aggregate classification (germline): Uncertain significance (1 of 4 stars; one submission).

Conditions:
Mitochondrial DNA depletion syndrome 13. Also called: FBXL4-Related Encephalomyopathic Mitochondrial DNA Depletion Syndrome; Mitochondrial DNA depletion syndrome 13 (encephalomyopathic type). Identifiers: Orphanet 369897, MedGen C3809592, MONDO:0014198, OMIM 615471.

Allele frequency attached by ClinVar (database versions not stated): gnomAD exomes below 0.00001; ExAC 0.00001.
gnomAD v4.1: 1 of 1,613,396 alleles (0.000062%); highest among the groups gnomAD compares: Non-Finnish European, 0.000085%; no homozygotes.

Submission:

Wong Mito Lab, Molecular and Human Genetics, Baylor College of Medicine
Classification: Uncertain significance for Mitochondrial DNA depletion syndrome 13. Last evaluated: 2017-08-10. Review status: criteria provided, single submitter. Criteria: ACMG Guidelines, 2015. Collection method: reference population. Allele origin: germline.
Comment: The NM_012160.4:c.1389G>C (NP_036292.2:p.Met463Ile) [GRCH38: NC_000006.12:g.98880553C>G] variant in FBXL4 gene is interpretated to be a Uncertain Significance - Conflicting Evidence based on ACMG guidelines (PMID: 25741868). This variant meets one or more of the following evidence codes reported in the ACMG-guideline. PM2:This variant is absent in key population databases. BP4:Computational evidence/predictors indicate no impact on the FBXL4 structure, function, or protein-protein interaction. Based on this evidence code ClinGen Pathogenicity Calculator (PMID:28081714) suggested that the variant is Uncertain Significance - Conflicting Evidence.

NM_001278716.2(FBXL4):c.1389G>C (p.Met463Ile)

Gene: FBXL4 (F-box and leucine rich repeat protein 4; minus strand). Cytogenetic location: 6q16.1.
Variant type: single nucleotide variant.
Coding change: c.1389G>C on transcript NM_001278716.2 (MANE Select); coding-DNA position 1389, G replaced by C.
Protein change: p.Met463Ile; replaces methionine 463 with isoleucine.
Molecular consequence: missense variant. On other transcripts: non-coding transcript variant (1).
Genome position (GRCh38, 1-based): chr6:98,880,553, C>G on the plus strand (G>C on the coding strand, the complement: FBXL4 is on the minus strand). VCF-style: chr6-98880553-C-G. GRCh37 (hg19) VCF-style: chr6-99328429-C-G.
Other names: c.1389G>C, p.Met463Ile (NM_012160.5); short protein forms M463I.
Identifiers: ClinVar variation 437745 (VCV000437745.1), dbSNP rs769623309, ClinGen allele CA3933462.
Genomic context (GRCh38, chr6:98,880,553, plus strand): 5'-CCCATAGGAAGAAAAAGAGAACAAGTAATTGAGTAGTATAAAGAATTCTCAAACACTTAC[C>G]ATGACACAACTGCCTAAACTGAGGTGCTGAAGCTCTGAACAGAAGTTCAAAATGCTGAGC-3'
Protein context (NP_001265645.1, residues 453-473): LQHLSLGSCV[Met463Ile]IEDYDVIASM